The following is an entry in ClinVar:

NM_003052.5(SLC34A1):c.1313A>G (p.Glu438Gly)

Gene: SLC34A1 (solute carrier family 34 member 1; plus strand). Cytogenetic location: 5q35.3.
Variant type: single nucleotide variant.
Coding change: c.1313A>G on transcript NM_003052.5 (MANE Select); coding-DNA position 1313, A replaced by G.
Protein change: p.Glu438Gly; replaces glutamic acid 438 with glycine.
Molecular consequence: missense variant.
Genome position (GRCh38, 1-based): chr5:177,396,971, A>G. VCF-style: chr5-177396971-A-G. GRCh37 (hg19) VCF-style: chr5-176823972-A-G.
Other names: short protein forms E438G.
Identifiers: ClinVar variation 2043514 (VCV002043514.4), dbSNP rs1478888061, ClinGen allele CA362314904.
Genomic context (GRCh38, chr5:177,396,971, plus strand): 5'-AGACGCTGGGGGTCCCACTTCCTCTCCCTCTGTCCCCAGGTCTTGGTGTGATCAGCATTG[A>G]GAGGGCCTACCCGCTCACACTGGGTTCCAACATCGGCACCACCACCACGGCCATCCTGGC-3'
Protein context (NP_003043.3, residues 428-448): PLIGLGVISI[Glu438Gly]RAYPLTLGSN

ClinVar aggregate classification (germline): Uncertain significance (1 of 4 stars; one submission).

Allele frequency attached by ClinVar (database versions not stated): gnomAD 0.00001; gnomAD exomes 0.00002.
gnomAD v4.1: 11 of 1,614,034 alleles (0.00068%); highest among the groups gnomAD compares: South Asian, 0.012%; no homozygotes.

Submission:

Labcorp Genetics (formerly Invitae), Labcorp
Classification: Uncertain significance. Last evaluated: 2023-07-07. Review status: criteria provided, single submitter. Criteria: Invitae Variant Classification Sherloc (09022015). Collection method: clinical testing. Allele origin: germline.
Comment: This sequence change replaces glutamic acid, which is acidic and polar, with glycine, which is neutral and non-polar, at codon 438 of the SLC34A1 protein (p.Glu438Gly). This variant is present in population databases (no rsID available, gnomAD 0.01%). This variant has not been reported in the literature in individuals affected with SLC34A1-related conditions. ClinVar contains an entry for this variant (Variation ID: 2043514). Advanced modeling of protein sequence and biophysical properties (such as structural, functional, and spatial information, amino acid conservation, physicochemical variation, residue mobility, and thermodynamic stability) performed at Invitae indicates that this missense variant is not expected to disrupt SLC34A1 protein function. In summary, the available evidence is currently insufficient to determine the role of this variant in disease. Therefore, it has been classified as a Variant of Uncertain Significance.